The following is an entry in ClinVar:

NM_025074.7(FRAS1):c.7067G>A (p.Arg2356His)

Gene: FRAS1 (Fraser extracellular matrix complex subunit 1; plus strand). Cytogenetic location: 4q21.21.
Variant type: single nucleotide variant.
Coding change: c.7067G>A on transcript NM_025074.7 (MANE Select); coding-DNA position 7067, G replaced by A.
Protein change: p.Arg2356His; replaces arginine 2356 with histidine.
Molecular consequence: missense variant.
Genome position (GRCh38, 1-based): chr4:78,466,245, G>A. VCF-style: chr4-78466245-G-A. GRCh37 (hg19) VCF-style: chr4-79387399-G-A.
Other names: c.7067G>A (NM_025074.6); short protein forms R2356H.
Identifiers: ClinVar variation 1386134 (VCV001386134.7), dbSNP rs377717035, ClinGen allele CA2977985.
Genomic context (GRCh38, chr4:78,466,245, plus strand): 5'-CTGGTATTTTGCCTTCCGGACAGGCCGAGTCTGTCACATTCACCATCGTGCAGCCTCCAC[G>A]CCATGGCACCATCGAGCGAACCAGCAATGGGCAGCATTTCCACCTCACCTCCACCTTCAC-3'
Protein context (NP_079350.5, residues 2346-2366): SVTFTIVQPP[Arg2356His]HGTIERTSNG

ClinVar aggregate classification (germline): Uncertain significance. Review status: criteria provided, multiple submitters, no conflicts (2 of 4 stars). 3 submissions from 3 submitters: Uncertain significance (3). Last evaluated 2023-03-01.

Conditions:
Inborn genetic diseases. Identifiers: MedGen C0950123, MeSH D030342.
Fraser syndrome 1 (FRASRS1). Also called: CRYPTOPHTHALMOS WITH OTHER MALFORMATIONS. Identifiers: Orphanet 2052, MedGen C4551480, MONDO:0054737, OMIM 219000.

Allele frequency attached by ClinVar (database versions not stated): gnomAD 0.00007; TOPMed 0.00011; ESP Exome Variant Server 0.00016.
gnomAD v4.1: 170 of 1,613,742 alleles (0.011%); highest among the groups gnomAD compares: Admixed American, 0.01%; no homozygotes.

Submissions (3):

Ambry Genetics
Classification: Uncertain significance for Inborn genetic diseases. Last evaluated: 2023-03-01. Review status: criteria provided, single submitter. Criteria: Ambry Variant Classification Scheme 2023. Collection method: clinical testing. Allele origin: germline.

Fulgent Genetics
Classification: Uncertain significance for Fraser syndrome 1. Last evaluated: 2022-05-10. Review status: criteria provided, single submitter. Criteria: ACMG Guidelines, 2015. Collection method: clinical testing. Allele origin: unknown.

Labcorp Genetics (formerly Invitae), Labcorp
Classification: Uncertain significance. Last evaluated: 2022-02-28. Review status: criteria provided, single submitter. Criteria: Invitae Variant Classification Sherloc (09022015). Collection method: clinical testing. Allele origin: germline.
Comment: This sequence change replaces arginine, which is basic and polar, with histidine, which is basic and polar, at codon 2356 of the FRAS1 protein (p.Arg2356His). This variant is present in population databases (rs377717035, gnomAD 0.1%). This variant has not been reported in the literature in individuals affected with FRAS1-related conditions. Algorithms developed to predict the effect of missense changes on protein structure and function are either unavailable or do not agree on the potential impact of this missense change (SIFT: "Deleterious"; PolyPhen-2: "Benign"; Align-GVGD: "Class C0"). In summary, the available evidence is currently insufficient to determine the role of this variant in disease. Therefore, it has been classified as a Variant of Uncertain Significance.